The following is an entry in ClinVar:

ClinVar aggregate classification (germline): Conflicting classifications of pathogenicity. Review status: criteria provided, conflicting classifications (1 of 4 stars). 4 submissions from 4 submitters: Uncertain significance (3); Likely benign (1). Last evaluated 2025-04-04.

Conditions:
Familial sleep-related hypermotor epilepsy. Also called: Autosomal Dominant Sleep-Related Hypermotor (Hyperkinetic) Epilepsy. Identifiers: Orphanet 98784, MedGen C3696898, MONDO:0000030.
Inborn genetic diseases. Identifiers: MedGen C0950123, MeSH D030342.

Allele frequency attached by ClinVar (database versions not stated): gnomAD 0.00004; gnomAD exomes 0.00002 and 0.00001; TOPMed 0.00003; ESP Exome Variant Server 0.00008; ExAC 0.00002.

Submissions (4):

Women's Health and Genetics/Laboratory Corporation of America, LabCorp
Classification: Uncertain significance. Last evaluated: 2025-04-04. Review status: criteria provided, single submitter. Criteria: LabCorp Variant Classification Summary - May 2015. Collection method: clinical testing. Allele origin: germline.
Comment: Variant summary: CHRNB2 c.983C>T (p.Thr328Met) results in a non-conservative amino acid change in the encoded protein sequence. Five of five in-silico tools predict a damaging effect of the variant on protein function. The variant allele was found at a frequency of 1.6e-05 in 250554 control chromosomes (gnomAD). The available data on variant occurrences in the general population are insufficient to allow any conclusion about variant significance. To our knowledge, no occurrence of c.983C>T in individuals affected with Autosomal Dominant Nocturnal Frontal Lobe Epilepsy 3 and no experimental evidence demonstrating its impact on protein function have been reported. ClinVar contains an entry for this variant (Variation ID: 859060). Based on the evidence outlined above, the variant was classified as uncertain significance.

Labcorp Genetics (formerly Invitae), Labcorp
Classification: Uncertain significance. Last evaluated: 2025-02-28. Review status: criteria provided, single submitter. Criteria: Invitae Variant Classification Sherloc (09022015). Collection method: clinical testing. Allele origin: germline.
Comment: This sequence change replaces threonine, which is neutral and polar, with methionine, which is neutral and non-polar, at codon 328 of the CHRNB2 protein (p.Thr328Met). This variant is present in population databases (rs145893879, gnomAD 0.01%). This variant has not been reported in the literature in individuals affected with CHRNB2-related conditions. ClinVar contains an entry for this variant (Variation ID: 859060). Invitae Evidence Modeling of protein sequence and biophysical properties (such as structural, functional, and spatial information, amino acid conservation, physicochemical variation, residue mobility, and thermodynamic stability) has been performed for this missense variant. However, the output from this modeling did not meet the statistical confidence thresholds required to predict the impact of this variant on CHRNB2 protein function. In summary, the available evidence is currently insufficient to determine the role of this variant in disease. Therefore, it has been classified as a Variant of Uncertain Significance.

Ambry Genetics
Classification: Likely benign for Inborn genetic diseases. Last evaluated: 2024-09-30. Review status: criteria provided, single submitter. Criteria: Ambry Variant Classification Scheme 2023. Collection method: clinical testing. Allele origin: germline.

GeneDx
Classification: Uncertain significance. Last evaluated: 2021-07-12. Review status: criteria provided, single submitter. Criteria: GeneDx Variant Classification Process June 2021. Collection method: clinical testing. Allele origin: germline. Affected: yes.
Comment: Has not been previously published as pathogenic or benign to our knowledge; In silico analysis supports that this missense variant has a deleterious effect on protein structure/function; This variant is associated with the following publications: (PMID: 27535533)

NM_000748.3(CHRNB2):c.983C>T (p.Thr328Met)

Gene: CHRNB2 (cholinergic receptor nicotinic beta 2 subunit; plus strand). Cytogenetic location: 1q21.3.
Variant type: single nucleotide variant.
Coding change: c.983C>T on transcript NM_000748.3 (MANE Select); coding-DNA position 983, C replaced by T.
Protein change: p.Thr328Met; replaces threonine 328 with methionine.
Molecular consequence: missense variant.
Genome position (GRCh38, 1-based): chr1:154,571,806, C>T. VCF-style: chr1-154571806-C-T. GRCh37 (hg19) VCF-style: chr1-154544282-C-T.
Other names: short protein forms T328M.
Identifiers: ClinVar variation 859060 (VCV000859060.14), dbSNP rs145893879, ClinGen allele CA1130805.
Genomic context (GRCh38, chr1:154,571,806, plus strand): 5'-TCACCTTCTCCATCGTCACCAGCGTGTGCGTGCTCAACGTGCACCACCGCTCGCCCACCA[C>T]GCACACCATGGCGCCCTGGGTGAAGGTCGTCTTCCTGGAGAAGCTGCCCGCGCTGCTCTT-3'
Protein context (NP_000739.1, residues 318-338): VLNVHHRSPT[Thr328Met]HTMAPWVKVV